The following is an entry in ClinVar:

NC_000023.10:g.(?_31496213)_(31526364_?)del

Gene: DMD (dystrophin; minus strand). Cytogenetic location: Xp21.2-21.1.
Variant type: Deletion.
Identifiers: ClinVar variation 1074259 (VCV001074259.8).

ClinVar aggregate classification (germline): Pathogenic (1 of 4 stars; one submission).

Conditions:
Duchenne muscular dystrophy (DMD). Also called: MUSCULAR DYSTROPHY, PSEUDOHYPERTROPHIC PROGRESSIVE, DUCHENNE TYPE; Duchenne Muscular Dystrophy (DMD). Identifiers: Orphanet 98896, MedGen C0013264, MONDO:0010679, OMIM 310200.

Submission:

Labcorp Genetics (formerly Invitae), Labcorp
Classification: Pathogenic for Duchenne muscular dystrophy. Last evaluated: 2020-03-09. Review status: criteria provided, single submitter. Criteria: Invitae Variant Classification Sherloc (09022015). Collection method: clinical testing. Allele origin: germline.
Comment: For these reasons, this variant has been classified as Pathogenic. The region of the DMD gene that includes exon(s) 58-59 has been determined to be clinically significant (PMID: 15655674, 16770791). Therefore, deletions that encompass that region are likely to disrupt protein function and cause disease. This variant has not been reported in the literature in individuals with DMD-related conditions. This variant is an in-frame deletion of the genomic region encompassing exon(s) 56 - 59 of the DMD gene. It preserves the integrity of the reading frame.

Literature cited by the submitters: PubMed 15655674; PubMed 16770791.